The following is an entry in ClinVar:

NM_000878.5(IL2RB):c.1498G>T (p.Val500Phe)

Gene: IL2RB (interleukin 2 receptor subunit beta; minus strand). Cytogenetic location: 22q12.3.
Variant type: single nucleotide variant.
Coding change: c.1498G>T on transcript NM_000878.5 (MANE Select); coding-DNA position 1498, G replaced by T.
Protein change: p.Val500Phe; replaces valine 500 with phenylalanine.
Molecular consequence: missense variant.
Genome position (GRCh38, 1-based): chr22:37,128,254, C>A on the plus strand (G>T on the coding strand, the complement: IL2RB is on the minus strand). VCF-style: chr22-37128254-C-A. GRCh37 (hg19) VCF-style: chr22-37524294-C-A.
Other names: c.1498G>T, p.Val500Phe (NM_001346222.1, NM_001346223.2); short protein forms V500F.
Identifiers: ClinVar variation 1375501 (VCV001375501.6), dbSNP rs1298392711, ClinGen allele CA411423791.
Genomic context (GRCh38, chr22:37,128,254, plus strand): 5'-CCTGCCCAGGAGGCCTGGACCAGGGGAAACTGACTCCCTCCCTGGGGCCAGCGTCAGGGA[C>A]CTCCTCCCCAGCCTCTCGCAGCACCAGCTCAGGGGGTGGCTGAAAATCCACCAGGTCTGG-3'
Protein context (NP_000869.1, residues 490-510): ELVLREAGEE[Val500Phe]PDAGPREGVS

ClinVar aggregate classification (germline): Uncertain significance (1 of 4 stars; one submission).

Allele frequency attached by ClinVar (database versions not stated): gnomAD 0.00001; gnomAD exomes below 0.00001; TOPMed below 0.00001.

Submission:

Labcorp Genetics (formerly Invitae), Labcorp
Classification: Uncertain significance. Last evaluated: 2025-03-10. Review status: criteria provided, single submitter. Criteria: Invitae Variant Classification Sherloc (09022015). Collection method: clinical testing. Allele origin: germline.
Comment: This sequence change replaces valine, which is neutral and non-polar, with phenylalanine, which is neutral and non-polar, at codon 500 of the IL2RB protein (p.Val500Phe). This variant is not present in population databases (gnomAD no frequency). This variant has not been reported in the literature in individuals affected with IL2RB-related conditions. ClinVar contains an entry for this variant (Variation ID: 1375501). An algorithm developed to predict the effect of missense changes on protein structure and function (PolyPhen-2) suggests that this variant is likely to be tolerated. In summary, the available evidence is currently insufficient to determine the role of this variant in disease. Therefore, it has been classified as a Variant of Uncertain Significance.